The following is an entry in ClinVar:

NM_000137.4(FAH):c.961-16C>T

Gene: FAH (fumarylacetoacetate hydrolase; plus strand). Cytogenetic location: 15q25.1.
Variant type: single nucleotide variant.
Coding change: c.961-16C>T on transcript NM_000137.4 (MANE Select); 16 bases into the intron before coding-DNA position 961, C replaced by T.
Molecular consequence: intron variant.
Genome position (GRCh38, 1-based): chr15:80,180,108, C>T. VCF-style: chr15-80180108-C-T. GRCh37 (hg19) VCF-style: chr15-80472450-C-T.
Other names: c.961-16C>T (NM_001374377.1, NM_001374380.1).
Identifiers: ClinVar variation 508836 (VCV000508836.5), dbSNP rs780170029, ClinGen allele CA7691424.

ClinVar aggregate classification (germline): Likely benign. Review status: criteria provided, multiple submitters, no conflicts (2 of 4 stars). 3 submissions from 3 submitters: Likely benign (3). Last evaluated 2023-11-14.

Conditions:
Tyrosinemia type I (TYRSN1). Also called: Tyrosinemia type 1; Fumarylacetoacetase deficiency; Deficiency of fumarylacetoacetase; FAH DEFICIENCY; HEPATORENAL TYROSINEMIA. Identifiers: Orphanet 882, MedGen C0268490, MONDO:0010161, OMIM 276700. Disease mechanism: loss of function.

Allele frequency attached by ClinVar (database versions not stated): gnomAD exomes below 0.00001 and 0.00001; ExAC 0.00001; TOPMed 0.00001.
gnomAD v4.1: 21 of 1,600,538 alleles (0.0013%); highest among the groups gnomAD compares: East Asian, 0.0022%; no homozygotes.

Submissions (3):

Blueprint Genetics
Classification: Likely benign. Last evaluated: 2023-11-14. Review status: criteria provided, single submitter. Criteria: ACMG Guidelines, 2015. Collection method: clinical testing. Allele origin: germline.

Labcorp Genetics (formerly Invitae), Labcorp
Classification: Likely benign for Tyrosinemia type I. Last evaluated: 2023-11-02. Review status: criteria provided, single submitter. Criteria: Invitae Variant Classification Sherloc (09022015). Collection method: clinical testing. Allele origin: germline.

GeneDx
Classification: Likely benign. Last evaluated: 2017-04-19. Review status: criteria provided, single submitter. Criteria: GeneDx Variant Classification (06012015). Collection method: clinical testing. Allele origin: germline. Affected: yes.
Comment: This variant is considered likely benign or benign based on one or more of the following criteria: it is a conservative change, it occurs at a poorly conserved position in the protein, it is predicted to be benign by multiple in silico algorithms, and/or has population frequency not consistent with disease.